The following is an entry in ClinVar:

NM_000138.5(FBN1):c.6497-2A>G

Gene: FBN1 (fibrillin 1; minus strand). Cytogenetic location: 15q21.1.
Variant type: single nucleotide variant.
Coding change: c.6497-2A>G on transcript NM_000138.5 (MANE Select); the canonical splice acceptor site of the intron before coding-DNA position 6497, A replaced by G.
Molecular consequence: splice acceptor variant.
Genome position (GRCh38, 1-based): chr15:48,434,715, T>C on the plus strand (A>G on the coding strand, the complement: FBN1 is on the minus strand). VCF-style: chr15-48434715-T-C. GRCh37 (hg19) VCF-style: chr15-48726912-T-C.
Other names: c.6497-2A>G (NM_001406716.1).
Identifiers: ClinVar variation 1753848 (VCV001753848.4), dbSNP rs2505429722, ClinGen allele CA392335376.

ClinVar aggregate classification (germline): Pathogenic/Likely pathogenic. Review status: criteria provided, multiple submitters, no conflicts (2 of 4 stars). 2 submissions from 2 submitters: Pathogenic (1); Likely pathogenic (1). Last evaluated 2026-01-08.

Conditions:
FBN1-related disorder. Also called: FBN1-related disorders.
Familial thoracic aortic aneurysm and aortic dissection (TAAD). Also called: Thoracic aortic aneurysms and dissections. Identifiers: Orphanet 91387, MedGen C4707243, MONDO:0019625.

Submissions (2):

Ambry Genetics
Classification: Pathogenic for Familial thoracic aortic aneurysm and aortic dissection. Last evaluated: 2026-01-08. Review status: criteria provided, single submitter. Criteria: Ambry Variant Classification Scheme 2023. Collection method: clinical testing. Allele origin: germline.
Comment: The c.6497-2A>G intronic pathogenic mutation results from an A to G substitution two nucleotides upstream from coding exon 53 in the FBN1 gene. Alterations that disrupt the canonical splice site are expected to result in aberrant splicing. In silico splice site analysis predicts that this alteration will weaken the native splice acceptor site. A resulting transcript is predicted to be in-frame and is not expected to trigger nonsense-mediated mRNAdecay; although, direct evidence is unavailable. However, the region predicted to be impacted is critical for protein function (Ambry internal data). This variant was not reported in population-based cohorts in the Genome Aggregation Database (gnomAD). This nucleotide position is highly conserved in available vertebrate species. Based on the supporting evidence, this variant is interpreted as a disease-causing mutation.

Blueprint Genetics
Classification: Likely pathogenic for FBN1-related disorders. Last evaluated: 2021-07-16. Review status: criteria provided, single submitter. Criteria: ACMG Guidelines, 2015. Collection method: clinical testing. Allele origin: germline. Affected: yes. Observed: 1 variant allele.

Literature cited by the submitters: PubMed 11700157 (cited by Ambry Genetics); PubMed 8653794 (cited by Ambry Genetics).